The following is an entry in ClinVar:

ClinVar aggregate classification (germline): Uncertain significance. Review status: criteria provided, multiple submitters, no conflicts (2 of 4 stars). 2 submissions from 2 submitters: Uncertain significance (2). Last evaluated 2024-10-15.

Conditions:
Deficiency of alpha-mannosidase (MANSA). Also called: Mannosidosis, alpha-, types I and II; LYSOSOMAL ALPHA-D-MANNOSIDASE DEFICIENCY; Alpha-Mannosidosis. Identifiers: Orphanet 61, MedGen C0024748, MONDO:0009561, OMIM 248500.

Allele frequency attached by ClinVar (database versions not stated): TOPMed 0.00002; gnomAD 0.00003; gnomAD exomes 0.00005; ExAC 0.00006.
gnomAD v4.1: 80 of 1,612,686 alleles (0.005%); highest among the groups gnomAD compares: East Asian, 0.0067%; no homozygotes.

Submissions (2):

Labcorp Genetics (formerly Invitae), Labcorp
Classification: Uncertain significance for Deficiency of alpha-mannosidase. Last evaluated: 2024-10-15. Review status: criteria provided, single submitter. Criteria: Invitae Variant Classification Sherloc (09022015). Collection method: clinical testing. Allele origin: germline.
Comment: This sequence change replaces arginine, which is basic and polar, with tryptophan, which is neutral and slightly polar, at codon 613 of the MAN2B1 protein (p.Arg613Trp). This variant is present in population databases (rs753090203, gnomAD 0.02%). This variant has not been reported in the literature in individuals affected with MAN2B1-related conditions. ClinVar contains an entry for this variant (Variation ID: 2194703). Invitae Evidence Modeling of protein sequence and biophysical properties (such as structural, functional, and spatial information, amino acid conservation, physicochemical variation, residue mobility, and thermodynamic stability) indicates that this missense variant is not expected to disrupt MAN2B1 protein function with a negative predictive value of 95%. In summary, the available evidence is currently insufficient to determine the role of this variant in disease. Therefore, it has been classified as a Variant of Uncertain Significance.

Blueprint Genetics
Classification: Uncertain significance. Last evaluated: 2022-11-03. Review status: criteria provided, single submitter. Criteria: ACMG Guidelines, 2015. Collection method: clinical testing. Allele origin: germline.

NM_000528.4(MAN2B1):c.1837C>T (p.Arg613Trp)

Gene: MAN2B1 (mannosidase alpha class 2B member 1; minus strand). Cytogenetic location: 19p13.13.
Variant type: single nucleotide variant.
Coding change: c.1837C>T on transcript NM_000528.4 (MANE Select); coding-DNA position 1837, C replaced by T.
Protein change: p.Arg613Trp; replaces arginine 613 with tryptophan.
Molecular consequence: missense variant.
Genome position (GRCh38, 1-based): chr19:12,652,454, G>A on the plus strand (C>T on the coding strand, the complement: MAN2B1 is on the minus strand). VCF-style: chr19-12652454-G-A. GRCh37 (hg19) VCF-style: chr19-12763268-G-A.
Other names: c.1834C>T, p.Arg612Trp (NM_001173498.2); short protein forms R613W, R612W.
Identifiers: ClinVar variation 2194703 (VCV002194703.3), dbSNP rs753090203, ClinGen allele CA9226293.
Genomic context (GRCh38, chr19:12,652,454, plus strand): 5'-GTTGCTGATTCATGTTCATAATCTCCATCAACAGCCCTGTGTCAGGATCAAACGTTGCCC[G>A]GATGTGCTGGGCAGAAAAGGGTCCACAGATGGGTTTGTGTGTGTATGTGTGTGTGTTTTC-3'
Protein context (NP_000519.2, residues 603-623): PALTIENEHI[Arg613Trp]ATFDPDTGLL